The following is an entry in ClinVar:

ClinVar aggregate classification (germline): Benign/Likely benign. Review status: criteria provided, multiple submitters, no conflicts (2 of 4 stars). 4 submissions from 4 submitters: Benign (2); Likely benign (2). Last evaluated 2025-12-01.

Allele frequency attached by ClinVar (database versions not stated): gnomAD exomes 0.00025 and 0.00078; ExAC 0.00094; gnomAD 0.00263 and 0.00282; TOPMed 0.00293; ESP Exome Variant Server 0.00295; 1000 Genomes Project 0.00339; 1000 Genomes Project 30x 0.00344.
gnomAD v4.1: 785 of 1,604,290 alleles (0.049%); highest among the groups gnomAD compares: African/African-American, 0.9%; 4 homozygotes.

Submissions (4):

CeGaT Center for Human Genetics Tuebingen
Classification: Likely benign. Last evaluated: 2025-12-01. Review status: criteria provided, single submitter. Criteria: CeGaT Center For Human Genetics Tuebingen Variant Classification Criteria Version 2. Collection method: clinical testing. Allele origin: germline. Affected: yes. Observed: 3 variant alleles.
Comment: ADAT3: BP4, BP7

Blueprint Genetics
Classification: Likely benign. Last evaluated: 2024-07-05. Review status: criteria provided, single submitter. Criteria: ACMG Guidelines, 2015. Collection method: clinical testing. Allele origin: germline.

Labcorp Genetics (formerly Invitae), Labcorp
Classification: Benign. Last evaluated: 2019-12-31. Review status: criteria provided, single submitter. Criteria: Invitae Variant Classification Sherloc (09022015). Collection method: clinical testing. Allele origin: germline.

Breakthrough Genomics
Classification: Benign. Review status: criteria provided, single submitter. Criteria: ACMG Guidelines, 2015. Collection method: not provided. Allele origin: germline. Inheritance: Autosomal recessive inheritance. Affected: yes.

NM_138422.4(ADAT3):c.831C>T (p.Arg277=)

Genes: ADAT3 (adenosine deaminase tRNA specific 3; plus strand), SCAMP4 (secretory carrier membrane protein 4; plus strand). Cytogenetic location: 19p13.3.
Variant type: single nucleotide variant.
Coding change: c.831C>T on transcript NM_138422.4 (MANE Select); coding-DNA position 831, C replaced by T.
Protein change: p.Arg277=; no amino-acid change (arginine 277 retained).
Molecular consequence: synonymous variant. On other transcripts: intron variant (3).
Genome position (GRCh38, 1-based): chr19:1,912,878, C>T. VCF-style: chr19-1912878-C-T. GRCh37 (hg19) VCF-style: chr19-1912877-C-T.
Other names: c.783C>T, p.Arg261= (NM_001329533.2); c.-41-2101C>T (NM_079834.4, NM_001329540.2); c.-125-4816C>T (NM_001329539.2).
Identifiers: ClinVar variation 788010 (VCV000788010.22), dbSNP rs142175228, ClinGen allele CA9054628.
Genomic context (GRCh38, chr19:1,912,878, plus strand): 5'-CGACTTCAGACCCTTCCCCGCCTGCTCCTTCGCCCCGGCCGCTGCCCCCCAGGCCGTCCG[C>T]GCAGGCGCCGTGCGTAAACTGGACGCAGACGAGGACGGCCTCCCCTACCTGTGCACTGGC-3'
Protein context (NP_612431.2, residues 267-287): FAPAAAPQAV[Arg277=]AGAVRKLDAD